The following is an entry in ClinVar:

NM_002693.3(POLG):c.1235C>A (p.Pro412Gln)

Gene: POLG (DNA polymerase gamma, catalytic subunit; minus strand). Cytogenetic location: 15q26.1.
Variant type: single nucleotide variant.
Coding change: c.1235C>A on transcript NM_002693.3 (MANE Select); coding-DNA position 1235, C replaced by A.
Protein change: p.Pro412Gln; replaces proline 412 with glutamine.
Molecular consequence: missense variant.
Genome position (GRCh38, 1-based): chr15:89,328,471, G>T on the plus strand (C>A on the coding strand, the complement: POLG is on the minus strand). VCF-style: chr15-89328471-G-T. GRCh37 (hg19) VCF-style: chr15-89871702-G-T.
Other names: c.1235C>A, p.Pro412Gln (NM_001126131.2); short protein forms P412Q.
Identifiers: ClinVar variation 2701470 (VCV002701470.3), dbSNP rs587780420, ClinGen allele CA393763992.

ClinVar aggregate classification (germline): Uncertain significance (1 of 4 stars; one submission).

Conditions:
Progressive sclerosing poliodystrophy (MTDPS4A). Also called: ALPERS PROGRESSIVE INFANTILE POLIODYSTROPHY; NEURONAL DEGENERATION OF CHILDHOOD WITH LIVER DISEASE, PROGRESSIVE; Mitochondrial DNA depletion syndrome 4A (Alpers type); Mitochondrial DNA Depletion Syndrome 4A; Alpers-Huttenlocher Syndrome (AHS); Alpers Syndrome. Identifiers: Orphanet 726, MedGen C0205710, MONDO:0008758, OMIM 203700.

Submission:

Labcorp Genetics (formerly Invitae), Labcorp
Classification: Uncertain significance for Progressive sclerosing poliodystrophy. Last evaluated: 2024-06-12. Review status: criteria provided, single submitter. Criteria: Invitae Variant Classification Sherloc (09022015). Collection method: clinical testing. Allele origin: germline.
Comment: This sequence change replaces proline, which is neutral and non-polar, with glutamine, which is neutral and polar, at codon 412 of the POLG protein (p.Pro412Gln). This variant is not present in population databases (gnomAD no frequency). This variant has not been reported in the literature in individuals affected with POLG-related conditions. Advanced modeling of protein sequence and biophysical properties (such as structural, functional, and spatial information, amino acid conservation, physicochemical variation, residue mobility, and thermodynamic stability) performed at Invitae indicates that this missense variant is expected to disrupt POLG protein function with a positive predictive value of 95%. In summary, the available evidence is currently insufficient to determine the role of this variant in disease. Therefore, it has been classified as a Variant of Uncertain Significance.